The following is an entry in ClinVar:

ClinVar aggregate classification (germline): Likely pathogenic (1 of 4 stars; one submission).

Conditions:
Retinitis pigmentosa 25 (RP25). Identifiers: Orphanet 791, MedGen C1864446, MONDO:0011272, OMIM 602772.

Submission:

Myriad Genetics, Inc.
Classification: Likely pathogenic for Retinitis pigmentosa 25. Last evaluated: 2025-07-07. Review status: criteria provided, single submitter. Criteria: Myriad Autosomal Dominant, Autosomal Recessive and X-Linked Classification Criteria (2023). Collection method: clinical testing. Allele origin: unknown.
Comment: NM_001142800.1(EYS):c.3165-1G>T is a variant in a canonical splice site classified as likely pathogenic in the context of retinitis pigmentosa, EYS-related. c.3165-1G>T has not been observed in cases with relevant disease. Relevant functional assessments of this variant are not available in the literature. c.3165-1G>T has not been observed in referenced population frequency databases. In summary, NM_001142800.1(EYS):c.3165-1G>T is a variant in a canonical splice site in a gene where loss of function is a known mechanism of disease and is predicted to disrupt protein function. Please note: this variant was assessed in the context of healthy population screening.

NM_001142800.2(EYS):c.3165-1G>T

Gene: EYS (EGF-like photoreceptor maintenance factor; minus strand). Cytogenetic location: 6q12.
Variant type: single nucleotide variant.
Coding change: c.3165-1G>T on transcript NM_001142800.2 (MANE Select); the canonical splice acceptor site of the intron before coding-DNA position 3165, G replaced by T.
Molecular consequence: splice acceptor variant.
Genome position (GRCh38, 1-based): chr6:64,821,724, C>A on the plus strand (G>T on the coding strand, the complement: EYS is on the minus strand). VCF-style: chr6-64821724-C-A. GRCh37 (hg19) VCF-style: chr6-65531617-C-A.
Other names: c.3165-1G>T (NM_001292009.2).
Identifiers: ClinVar variation 4081654 (VCV004081654.1).